The following is an entry in ClinVar:

NM_000135.4(FANCA):c.4079T>C (p.Met1360Thr)

Genes: FANCA (FA complementation group A; minus strand), ZNF276 (zinc finger protein 276; plus strand). Cytogenetic location: 16q24.3.
Variant type: single nucleotide variant.
Coding change: c.4079T>C on transcript NM_000135.4 (MANE Select); coding-DNA position 4079, T replaced by C.
Protein change: p.Met1360Thr; replaces methionine 1360 with threonine.
Molecular consequence: missense variant. On other transcripts: 3 prime UTR variant (2), non-coding transcript variant (4).
Genome position (GRCh38, 1-based): chr16:89,739,221, A>G on the plus strand (T>C on the coding strand, the complement: FANCA is on the minus strand). VCF-style: chr16-89739221-A-G. GRCh37 (hg19) VCF-style: chr16-89805629-A-G.
Other names: c.4079T>C, p.Met1360Thr (NM_001286167.3); c.*975A>G (NM_001113525.2, NM_152287.4); short protein forms M1360T.
Identifiers: ClinVar variation 4532878 (VCV004532878.1).

ClinVar aggregate classification (germline): Uncertain significance (1 of 4 stars; one submission).

gnomAD v4.1: 8 of 1,614,166 alleles (0.0005%); highest among the groups gnomAD compares: South Asian, 0.0055%; no homozygotes.

Submission:

Quest Diagnostics Nichols Institute San Juan Capistrano
Classification: Uncertain significance. Last evaluated: 2025-03-02. Review status: criteria provided, single submitter. Criteria: Quest Diagnostics criteria. Collection method: clinical testing. Allele origin: unknown.
Comment: The FANCA c.4079T>C (p.Met1360Thr) variant has not been reported in individuals with FANCA-related conditions in the published literature. The frequency of this variant in the general population (Genome Aggregation Database) is uninformative in the assessment of its pathogenicity. Analysis of this variant using bioinformatics tools for the prediction of the effect of amino acid changes on protein structure and function yielded conflicting predictions that this variant is benign or damaging. Based on the available information, we are unable to determine the clinical significance of this variant.